The following is an entry in ClinVar:

ClinVar aggregate classification (germline): Uncertain significance (1 of 4 stars; one submission).

Submission:

CeGaT Center for Human Genetics Tuebingen
Classification: Uncertain significance. Last evaluated: 2026-04-01. Review status: criteria provided, single submitter. Criteria: CeGaT Center For Human Genetics Tuebingen Variant Classification Criteria Version 2. Collection method: clinical testing. Allele origin: germline. Affected: yes. Observed: 1 variant allele.
Comment: RFC1: PM2, PVS1:Supporting

NM_002913.5(RFC1):c.642+1G>T

Gene: RFC1 (replication factor C subunit 1; minus strand). Cytogenetic location: 4p14.
Variant type: single nucleotide variant.
Coding change: c.642+1G>T on transcript NM_002913.5 (MANE Select); the canonical splice donor site of the intron after coding-DNA position 642, G replaced by T.
Molecular consequence: splice donor variant.
Genome position (GRCh38, 1-based): chr4:39,326,562, C>A on the plus strand (G>T on the coding strand, the complement: RFC1 is on the minus strand). VCF-style: chr4-39326562-C-A. GRCh37 (hg19) VCF-style: chr4-39328182-C-A.
Other names: c.642+1G>T (NM_001363495.2, NM_001363496.2, NM_001204747.2).
Identifiers: ClinVar variation 4874522 (VCV004874522.2).
Genomic context (GRCh38, chr4:39,326,562, plus strand): 5'-CTGGACTAAATAGCTAGTCAGAATATCAAGTTACTAATGATTCTAAGCAAAATGCCAATA[C>A]CTCCGCATCTTCATCAAGCTGTAATTGCTTGGCGATGGCTTCATCATTTAATCCAGACTC-3'